The following is an entry in ClinVar:

ClinVar aggregate classification (germline): Uncertain significance (1 of 4 stars; one submission).

Submission:

GeneDx
Classification: Uncertain significance. Last evaluated: 2024-03-27. Review status: criteria provided, single submitter. Criteria: GeneDx Variant Classification Process June 2021. Collection method: clinical testing. Allele origin: germline. Affected: yes.
Comment: Not observed at significant frequency in large population cohorts (gnomAD); In silico analysis supports that this missense variant does not alter protein structure/function; Has not been previously published as pathogenic or benign to our knowledge

NM_152641.4(ARID2):c.3716G>A (p.Gly1239Asp)

Gene: ARID2 (AT-rich interaction domain 2; plus strand). Cytogenetic location: 12q12.
Variant type: single nucleotide variant.
Coding change: c.3716G>A on transcript NM_152641.4 (MANE Select); coding-DNA position 3716, G replaced by A.
Protein change: p.Gly1239Asp; replaces glycine 1239 with aspartic acid.
Molecular consequence: missense variant.
Genome position (GRCh38, 1-based): chr12:45,851,839, G>A. VCF-style: chr12-45851839-G-A. GRCh37 (hg19) VCF-style: chr12-46245622-G-A.
Other names: c.3716G>A, p.Gly1239Asp (NM_001347839.2); short protein forms G1239D.
Identifiers: ClinVar variation 3371340 (VCV003371340.1).